The following is an entry in ClinVar:

NM_001077.4(UGT2B17):c.541G>A (p.Val181Ile)

Gene: UGT2B17 (UDP glucuronosyltransferase family 2 member B17; minus strand). Cytogenetic location: 4q13.2.
Variant type: single nucleotide variant.
Coding change: c.541G>A on transcript NM_001077.4 (MANE Select); coding-DNA position 541, G replaced by A.
Protein change: p.Val181Ile; replaces valine 181 with isoleucine.
Molecular consequence: missense variant.
Genome position (GRCh38, 1-based): chr4:68,567,944, C>T on the plus strand (G>A on the coding strand, the complement: UGT2B17 is on the minus strand). VCF-style: chr4-68567944-C-T. GRCh37 (hg19) VCF-style: chr4-69433662-C-T.
Other names: short protein forms V181I.
Identifiers: ClinVar variation 787028 (VCV000787028.7), dbSNP rs72551386, ClinGen allele CA2942232.
Genomic context (GRCh38, chr4:68,567,944, plus strand): 5'-CTGACATAACAACAGGTACATAGGAAGGAGGGAACAGAAATCCTCCACCATTCTTCTCAA[C>T]TGTGTAGCCAACAGAGAAGCGGAGACTGTACAGAAAGGGTATGTTAAGTAGCTCAGCCAG-3'
Protein context (NP_001068.1, residues 171-191): YSLRFSVGYT[Val181Ile]EKNGGGFLFP

ClinVar aggregate classification (germline): Benign. Review status: criteria provided, multiple submitters, no conflicts (2 of 4 stars). 3 submissions from 3 submitters: Benign (2). 1 of the submissions does not count toward it. Last evaluated 2019-12-31.

Conditions:
UGT2B17-related disorder. Also called: UGT2B17-related condition.

Allele frequency attached by ClinVar (database versions not stated): 1000 Genomes Project 30x 0.00578; 1000 Genomes Project 0.00579; gnomAD 0.00688; ESP Exome Variant Server 0.01143.
gnomAD v4.1: 1,967 of 1,380,688 alleles (0.14%); highest among the groups gnomAD compares: African/African-American, 2.6%; 417 homozygotes.

Submissions (3):

Labcorp Genetics (formerly Invitae), Labcorp
Classification: Benign. Last evaluated: 2019-12-31. Review status: criteria provided, single submitter. Criteria: Invitae Variant Classification Sherloc (09022015). Collection method: clinical testing. Allele origin: germline.

Breakthrough Genomics
Classification: Benign. Review status: criteria provided, single submitter. Criteria: ACMG Guidelines, 2015. Collection method: not provided. Allele origin: germline. Inheritance: Unknown mechanism. Affected: yes.

PreventionGenetics, part of Exact Sciences
Classification: Benign for UGT2B17-related condition. Last evaluated: 2019-10-31. Review status: no assertion criteria provided. Collection method: clinical testing. Allele origin: germline. Not counted in ClinVar's aggregate classification.
Comment: This variant is classified as benign based on ACMG/AMP sequence variant interpretation guidelines (Richards et al. 2015 PMID: 25741868, with internal and published modifications).